The following is an entry in ClinVar:

ClinVar aggregate classification (germline): Uncertain significance (1 of 4 stars; one submission).

Submission:

GeneDx
Classification: Uncertain significance. Last evaluated: 2023-05-22. Review status: criteria provided, single submitter. Criteria: GeneDx Variant Classification Process June 2021. Collection method: clinical testing. Allele origin: germline. Affected: yes.
Comment: Not observed at significant frequency in large population cohorts (gnomAD); In silico analysis supports that this missense variant does not alter protein structure/function; Has not been previously published as pathogenic or benign to our knowledge

NM_000384.3(APOB):c.193C>T (p.Pro65Ser)

Genes: APOB (apolipoprotein B; minus strand), LOC106560211 (APOB 5' regulatory region; plus strand). Cytogenetic location: 2p24.1.
Variant type: single nucleotide variant.
Coding change: c.193C>T on transcript NM_000384.3 (MANE Select); coding-DNA position 193, C replaced by T.
Protein change: p.Pro65Ser; replaces proline 65 with serine.
Molecular consequence: missense variant.
Genome position (GRCh38, 1-based): chr2:21,042,405, G>A on the plus strand (C>T on the coding strand, the complement: APOB is on the minus strand). VCF-style: chr2-21042405-G-A. GRCh37 (hg19) VCF-style: chr2-21265277-G-A.
Other names: short protein forms P65S.
Identifiers: ClinVar variation 3343607 (VCV003343607.1).